The following is an entry in ClinVar:

ClinVar aggregate classification (germline): Likely pathogenic. Review status: criteria provided, multiple submitters, no conflicts (2 of 4 stars). 6 submissions from 6 submitters: Likely pathogenic (6). Last evaluated 2025-09-14.

Conditions:
Hereditary cancer-predisposing syndrome. Also called: Hereditary Cancer Syndrome; Tumor predisposition; Neoplastic Syndromes, Hereditary; Hereditary neoplastic syndrome. Identifiers: Orphanet 140162, MedGen C0027672, MeSH D009386, MONDO:0015356.
Familial cancer of breast. Also called: hereditary breast carcinoma; BREAST CANCER, FAMILIAL; Hereditary breast cancer. Identifiers: Orphanet 227535, MedGen C0346153, MONDO:0016419, OMIM 114480. Disease mechanism: loss of function.
Ataxia-telangiectasia syndrome (AT). Also called: ATAXIA-TELANGIECTASIA, COMPLEMENTATION GROUP A; ATAXIA-TELANGIECTASIA, FRESNO VARIANT; Ataxia-telangiectasia; Ataxia-telangiectasia, complementation group E; Cerebello-oculocutaneous telangiectasia; Immunodeficiency with ataxia telangiectasia. Identifiers: Orphanet 100, MedGen C0004135, MONDO:0008840, OMIM 208900.

gnomAD v4.1: 1 of 1,614,112 alleles (0.000062%); highest among the groups gnomAD compares: Middle Eastern, 0.017%; no homozygotes.

Submissions (6):

Labcorp Genetics (formerly Invitae), Labcorp
Classification: Likely pathogenic for Ataxia-telangiectasia syndrome. Last evaluated: 2025-09-14. Review status: criteria provided, single submitter. Criteria: Invitae Variant Classification Sherloc (09022015). Collection method: clinical testing. Allele origin: germline.
Comment: This sequence change replaces glutamic acid, which is acidic and polar, with glycine, which is neutral and non-polar, at codon 2904 of the ATM protein (p.Glu2904Gly). This variant is not present in population databases (gnomAD no frequency). This missense change has been observed in individual(s) with ataxia-telangiectasia and/or breast cancer (PMID: 8845835, 28724667). ClinVar contains an entry for this variant (Variation ID: 186276). Invitae Evidence Modeling of protein sequence and biophysical properties (such as structural, functional, and spatial information, amino acid conservation, physicochemical variation, residue mobility, and thermodynamic stability) indicates that this missense variant is expected to disrupt ATM protein function with a positive predictive value of 95%. Experimental studies have shown that this missense change affects ATM function (PMID: 9244351). In summary, the currently available evidence indicates that the variant is pathogenic, but additional data are needed to prove that conclusively. Therefore, this variant has been classified as Likely Pathogenic.

Ambry Genetics
Classification: Likely pathogenic for Hereditary cancer-predisposing syndrome. Last evaluated: 2024-12-02. Review status: criteria provided, single submitter. Criteria: Ambry Variant Classification Scheme 2023. Collection method: clinical testing. Allele origin: germline.
Comment: The p.E2904G variant (also known as c.8711A>G), located in coding exon 59 of the ATM gene, results from an A to G substitution at nucleotide position 8711. The glutamic acid at codon 2904 is replaced by glycine, an amino acid with similar properties. This alteration has been reported in the homozygous state in an individual diagnosed with ataxia telangiectasia (Gilad S, Hum. Mol. Genet. 1996 Apr; 5(4):433-9). This alteration has also been reported in 1/7657 individuals diagnosed with breast cancer (Yang Z et al. Breast Cancer Res Treat, 2019 Apr;174:639-647). Introduction of the missense alteration p.E2904G into a cloned ATM ORF resulted in instability of the recombinant protein. The net effect of this mutation on the recombinant protein was similar to that of most A-T mutations, which are null alleles that produce unstable ATM derivatives and leave the cells without any protein product of the ATM gene. Authors proposed that the highly conserved glutamic acid residue at position 2904 may, therefore, be critical for the protein's stability (Ziv Y, Oncogene 1997 Jul; 15(2):159-67). This variant is considered to be rare based on population cohorts in the Genome Aggregation Database (gnomAD). This amino acid position is highly conserved in available vertebrate species. In addition, this alteration is predicted to be deleterious by in silico analysis. Based on the majority of available evidence to date, this variant is likely to be pathogenic.

Myriad Genetics, Inc.
Classification: Likely pathogenic for Familial cancer of breast. Last evaluated: 2024-02-05. Review status: criteria provided, single submitter. Criteria: Myriad Autosomal Dominant, Autosomal Recessive and X-Linked Classification Criteria (2023). Collection method: clinical testing. Allele origin: unknown.
Comment: This variant is considered likely pathogenic. This variant has been reported in multiple individuals with clinical features of gene-specific disease [PMID: 8845835]. Functional studies indicate this variant impacts protein function [PMID: 9733514, 9244351].

Baylor Genetics
Classification: Likely pathogenic for Familial cancer of breast. Last evaluated: 2023-09-30. Review status: criteria provided, single submitter. Criteria: ACMG Guidelines, 2015. Collection method: clinical testing. Allele origin: unknown.

Color Diagnostics, LLC DBA Color Health
Classification: Likely pathogenic for Hereditary cancer-predisposing syndrome. Last evaluated: 2023-04-11. Review status: criteria provided, single submitter. Criteria: ACMG Guidelines, 2015. Collection method: clinical testing. Allele origin: germline.
Comment: This missense variant replaces glutamic acid with glycine at codon 2904 of the ATM protein. Computational prediction suggests that this variant may have deleterious impact on protein structure and function (internally defined REVEL score threshold >= 0.7, PMID: 27666373). Functional studies have shown that this variant results in the loss of stable ATM protein expression and kinase function (PMID: 9244351, 9733514). This variant has been reported in the literature in the homozygous state in an individual affected with ataxia-telangiectasia (PMID: 8845835) and in a BRCA1/2-negative individual affected with breast cancer (PMID: 30607632). This variant has not been identified in the general population by the Genome Aggregation Database (gnomAD). Based on the available evidence, this variant is classified as Likely Pathogenic.

Center for Human Genetics, Inc
Classification: Likely pathogenic for Familial cancer of breast. Last evaluated: 2016-11-01. Review status: criteria provided, single submitter. Criteria: ACMG Guidelines, 2015. Collection method: clinical testing. Allele origin: germline. Affected: yes.

Literature cited by the submitters: PubMed 8845835 (cited by 4 submitters); PubMed 28724667 (cited by Labcorp Genetics (formerly Invitae), Labcorp); PubMed 9244351 (cited by 4 submitters); PubMed 30607632 (cited by Ambry Genetics and Color Diagnostics, LLC DBA Color Health); PubMed 9733514 (cited by Myriad Genetics, Inc. and Color Diagnostics, LLC DBA Color Health).

NM_000051.4(ATM):c.8711A>G (p.Glu2904Gly)

Genes: ATM (ATM serine/threonine kinase; plus strand), C11orf65 (chromosome 11 open reading frame 65; minus strand). Cytogenetic location: 11q22.3.
Variant type: single nucleotide variant.
Coding change: c.8711A>G on transcript NM_000051.4 (MANE Select); coding-DNA position 8711, A replaced by G.
Protein change: p.Glu2904Gly; replaces glutamic acid 2904 with glycine.
Molecular consequence: missense variant. On other transcripts: intron variant (2).
Genome position (GRCh38, 1-based): chr11:108,353,805, A>G. VCF-style: chr11-108353805-A-G. GRCh37 (hg19) VCF-style: chr11-108224532-A-G.
Other names: c.8711A>G, p.Glu2904Gly (NM_001351834.2); c.640+32115T>C (NM_001330368.2); c.695-18513T>C (NM_001351110.2); short protein forms E2904G.
Identifiers: ClinVar variation 186276 (VCV000186276.17), dbSNP rs786202826, ClinGen allele CA194327.